The following is an entry in ClinVar:

ClinVar aggregate classification (germline): Uncertain significance (1 of 4 stars; one submission).

Allele frequency attached by ClinVar (database versions not stated): TOPMed below 0.00001; ExAC 0.00001; gnomAD 0.00001.
gnomAD v4.1: 6 of 1,612,692 alleles (0.00037%); highest among the groups gnomAD compares: Non-Finnish European, 0.00051%; no homozygotes.

Submission:

Labcorp Genetics (formerly Invitae), Labcorp
Classification: Uncertain significance. Last evaluated: 2023-05-01. Review status: criteria provided, single submitter. Criteria: Invitae Variant Classification Sherloc (09022015). Collection method: clinical testing. Allele origin: germline.
Comment: This variant has not been reported in the literature in individuals affected with KCNN4-related conditions. This sequence change affects codon 53 of the KCNN4 mRNA. It is a 'silent' change, meaning that it does not change the encoded amino acid sequence of the KCNN4 protein. This variant also falls at the last nucleotide of exon 1, which is part of the consensus splice site for this exon. This variant is present in population databases (rs779928751, gnomAD 0.0009%). Variants that disrupt the consensus splice site are a relatively common cause of aberrant splicing (PMID: 17576681, 9536098). Algorithms developed to predict the effect of sequence changes on RNA splicing suggest that this variant may disrupt the consensus splice site. In summary, the available evidence is currently insufficient to determine the role of this variant in disease. Therefore, it has been classified as a Variant of Uncertain Significance.

Literature cited by the submitters: PubMed 17576681; PubMed 9536098.

NM_002250.3(KCNN4):c.159G>A (p.Ser53=)

Gene: KCNN4 (potassium calcium-activated channel subfamily N member 4; minus strand). Cytogenetic location: 19q13.31.
Variant type: single nucleotide variant.
Coding change: c.159G>A on transcript NM_002250.3 (MANE Select); coding-DNA position 159, G replaced by A.
Protein change: p.Ser53=; no amino-acid change (serine 53 retained).
Molecular consequence: synonymous variant.
Genome position (GRCh38, 1-based): chr19:43,780,703, C>T on the plus strand (G>A on the coding strand, the complement: KCNN4 is on the minus strand). VCF-style: chr19-43780703-C-T. GRCh37 (hg19) VCF-style: chr19-44284855-C-T.
Identifiers: ClinVar variation 2903617 (VCV002903617.3), dbSNP rs779928751, ClinGen allele CA9492093.